The following is an entry in ClinVar:

NM_004744.5(LRAT):c.428G>T (p.Arg143Leu)

Gene: LRAT (lecithin retinol acyltransferase; plus strand). Cytogenetic location: 4q32.1.
Variant type: single nucleotide variant.
Coding change: c.428G>T on transcript NM_004744.5 (MANE Select); coding-DNA position 428, G replaced by T.
Protein change: p.Arg143Leu; replaces arginine 143 with leucine.
Molecular consequence: missense variant.
Genome position (GRCh38, 1-based): chr4:154,744,754, G>T. VCF-style: chr4-154744754-G-T. GRCh37 (hg19) VCF-style: chr4-155665906-G-T.
Other names: c.428G>T, p.Arg143Leu (NM_001301645.2); short protein forms R143L.
Identifiers: ClinVar variation 959882 (VCV000959882.1), dbSNP rs1732846919, ClinGen allele CA358630670.

ClinVar aggregate classification (germline): Uncertain significance (1 of 4 stars; one submission).

Submission:

Labcorp Genetics (formerly Invitae), Labcorp
Classification: Uncertain significance. Last evaluated: 2019-11-04. Review status: criteria provided, single submitter. Criteria: Invitae Variant Classification Sherloc (09022015). Collection method: clinical testing. Allele origin: germline.
Comment: This sequence change replaces arginine with leucine at codon 143 of the LRAT protein (p.Arg143Leu). The arginine residue is moderately conserved and there is a moderate physicochemical difference between arginine and leucine. This variant is not present in population databases (ExAC no frequency). This variant has not been reported in the literature in individuals with LRAT-related conditions. Algorithms developed to predict the effect of missense changes on protein structure and function (SIFT, PolyPhen-2, Align-GVGD) all suggest that this variant is likely to be tolerated, but these predictions have not been confirmed by published functional studies and their clinical significance is uncertain. In summary, the available evidence is currently insufficient to determine the role of this variant in disease. Therefore, it has been classified as a Variant of Uncertain Significance.